The following is an entry in ClinVar:

ClinVar aggregate classification (germline): Likely pathogenic (1 of 4 stars; one submission).

Conditions:
Dilated cardiomyopathy 1G (CMD1G). Identifiers: Orphanet 154, MedGen C1858763, MONDO:0011400, OMIM 604145.
Autosomal recessive limb-girdle muscular dystrophy type 2J (LGMDR10). Also called: Limb-girdle muscular dystrophy, type 2J; MUSCULAR DYSTROPHY, LIMB-GIRDLE, AUTOSOMAL RECESSIVE 10. Identifiers: Orphanet 140922, MedGen C1837342, MONDO:0012127, OMIM 608807.

Submission:

Labcorp Genetics (formerly Invitae), Labcorp
Classification: Likely pathogenic for Dilated cardiomyopathy 1G; Autosomal recessive limb-girdle muscular dystrophy type 2J. Last evaluated: 2024-10-18. Review status: criteria provided, single submitter. Criteria: Invitae Variant Classification Sherloc (09022015). Collection method: clinical testing. Allele origin: germline.
Comment: This sequence change creates a premature translational stop signal (p.Glu11420*) in the TTN gene. While this is not anticipated to result in nonsense mediated decay, it is expected to create a truncated TTN protein. This variant is not present in population databases (gnomAD no frequency). This variant has not been reported in the literature in individuals affected with TTN-related conditions. This variant is located in the I band of TTN (PMID: 25589632). Truncating variants in this region have been reported in individuals affected with autosomal recessive centronuclear myopathy (PMID: 23975875, internal data). Truncating variants in this region have also been identified in individuals affected with autosomal dominant dilated cardiomyopathy and/or cardio-related conditions (PMID: 27869827, 32964742, internal data). In summary, the currently available evidence indicates that the variant is pathogenic, but additional data are needed to prove that conclusively. Therefore, this variant has been classified as Likely Pathogenic.

Literature cited by the submitters: PubMed 25589632; PubMed 23975875; PubMed 27869827; PubMed 32964742.

NM_001267550.2(TTN):c.34258G>T (p.Glu11420Ter)

Gene: TTN (titin; minus strand). Cytogenetic location: 2q31.2.
Variant type: single nucleotide variant.
Coding change: c.34258G>T on transcript NM_001267550.2 (MANE Select); coding-DNA position 34258, G replaced by T.
Protein change: p.Glu11420Ter; replaces glutamic acid 11420 with a stop codon.
Molecular consequence: nonsense. On other transcripts: intron variant (3).
Genome position (GRCh38, 1-based): chr2:178,677,654, C>A on the plus strand (G>T on the coding strand, the complement: TTN is on the minus strand). VCF-style: chr2-178677654-C-A. GRCh37 (hg19) VCF-style: chr2-179542381-C-A.
Other names: c.33307G>T, p.Glu11103Ter (NM_001256850.1); c.30526G>T, p.Glu10176Ter (NM_133378.4); c.13283-35337G>T (NM_003319.4); c.13859-35337G>T (NM_133437.4); c.13658-35337G>T (NM_133432.3); short protein forms E11103*, E10176*, E11420*.
Identifiers: ClinVar variation 2951862 (VCV002951862.3), dbSNP rs2473776344, ClinGen allele CA349529257.
Genomic context (GRCh38, chr2:178,677,654, plus strand): 5'-TGATGATTCCAAGAAGAGCTGCTATACCTGGTGCAGGTACTGGCACCTTAGGTTTAACTT[C>A]TGGAAGGACTTCTTCTTCAGGTACAAATTCTTCTTCCTCAGGTACATATTCTTCTTCGGG-3'